The following is an entry in ClinVar:

NM_016373.4(WWOX):c.914A>G (p.Asn305Ser)

Gene: WWOX (WW domain containing oxidoreductase; plus strand). Cytogenetic location: 16q23.1.
Variant type: single nucleotide variant.
Coding change: c.914A>G on transcript NM_016373.4 (MANE Select); coding-DNA position 914, A replaced by G.
Protein change: p.Asn305Ser; replaces asparagine 305 with serine.
Molecular consequence: missense variant.
Genome position (GRCh38, 1-based): chr16:78,432,610, A>G. VCF-style: chr16-78432610-A-G. GRCh37 (hg19) VCF-style: chr16-78466507-A-G.
Other names: c.575A>G, p.Asn192Ser (NM_001291997.2); short protein forms N305S, N192S.
Identifiers: ClinVar variation 1450458 (VCV001450458.5), dbSNP rs1224888299, ClinGen allele CA396843272.

ClinVar aggregate classification (germline): Uncertain significance (1 of 4 stars; one submission).

Conditions:
Autosomal recessive spinocerebellar ataxia 12. Also called: SPINOCEREBELLAR ATAXIA WITH MENTAL RETARDATION AND EPILEPSY. Identifiers: Orphanet 284282, MedGen C3280452, MONDO:0013687, OMIM 614322.
Developmental and epileptic encephalopathy, 1 (DEE1). Also called: Epileptic encephalopathy, early infantile, 1; X-linked infantile spasms; West's syndrome; Tonic spasms with clustering, arrest of psychomotor development and hypsarrhythmia on EEG; X-Linked Infantile Spasm Syndrome; INFANTILE SPASM SYNDROME, X-LINKED 1. Identifiers: MedGen C3463992, MONDO:0010632, OMIM 308350. Disease mechanism: loss of function.

Allele frequency attached by ClinVar (database versions not stated): gnomAD exomes below 0.00001 and 0.00001.
gnomAD v4.1: 7 of 1,614,234 alleles (0.00043%); highest among the groups gnomAD compares: Admixed American, 0.0017%; no homozygotes.

Submission:

Labcorp Genetics (formerly Invitae), Labcorp
Classification: Uncertain significance for Developmental and epileptic encephalopathy, 1; Autosomal recessive spinocerebellar ataxia 12. Last evaluated: 2024-05-20. Review status: criteria provided, single submitter. Criteria: Invitae Variant Classification Sherloc (09022015). Collection method: clinical testing. Allele origin: germline.
Comment: This sequence change replaces asparagine, which is neutral and polar, with serine, which is neutral and polar, at codon 305 of the WWOX protein (p.Asn305Ser). This variant is present in population databases (no rsID available, gnomAD 0.003%). This variant has not been reported in the literature in individuals affected with WWOX-related conditions. ClinVar contains an entry for this variant (Variation ID: 1450458). Advanced modeling of protein sequence and biophysical properties (such as structural, functional, and spatial information, amino acid conservation, physicochemical variation, residue mobility, and thermodynamic stability) performed at Invitae indicates that this missense variant is not expected to disrupt WWOX protein function with a negative predictive value of 80%. In summary, the available evidence is currently insufficient to determine the role of this variant in disease. Therefore, it has been classified as a Variant of Uncertain Significance.